The following is an entry in ClinVar:

ClinVar aggregate classification (germline): Uncertain significance (1 of 4 stars; one submission).

gnomAD v4.1: 31 of 1,555,516 alleles (0.002%); highest among the groups gnomAD compares: Non-Finnish European, 0.0026%; no homozygotes.

Submission:

Labcorp Genetics (formerly Invitae), Labcorp
Classification: Uncertain significance. Last evaluated: 2024-07-19. Review status: criteria provided, single submitter. Criteria: Invitae Variant Classification Sherloc (09022015). Collection method: clinical testing. Allele origin: germline.
Comment: This sequence change replaces aspartic acid, which is acidic and polar, with glutamic acid, which is acidic and polar, at codon 702 of the NAA15 protein (p.Asp702Glu). This variant is present in population databases (rs199718065, gnomAD 0.008%). This variant has not been reported in the literature in individuals affected with NAA15-related conditions. An algorithm developed to predict the effect of missense changes on protein structure and function (PolyPhen-2) suggests that this variant is likely to be tolerated. In summary, the available evidence is currently insufficient to determine the role of this variant in disease. Therefore, it has been classified as a Variant of Uncertain Significance.

NM_057175.5(NAA15):c.2106T>A (p.Asp702Glu)

Gene: NAA15 (N-alpha-acetyltransferase 15, NatA auxiliary subunit; plus strand). Cytogenetic location: 4q31.1.
Variant type: single nucleotide variant.
Coding change: c.2106T>A on transcript NM_057175.5 (MANE Select); coding-DNA position 2106, T replaced by A.
Protein change: p.Asp702Glu; replaces aspartic acid 702 with glutamic acid.
Molecular consequence: missense variant.
Genome position (GRCh38, 1-based): chr4:139,378,805, T>A. VCF-style: chr4-139378805-T-A. GRCh37 (hg19) VCF-style: chr4-140299959-T-A.
Other names: c.2106T>A, p.Asp702Glu (NM_001410842.1); short protein forms D702E.
Identifiers: ClinVar variation 3613604 (VCV003613604.2).
Genomic context (GRCh38, chr4:139,378,805, plus strand): 5'-TCTTTTTATAGAAAAGTTTCTTTTGATGCTACAATCAGTAAAGAGGGCATTTGCTATTGA[T>A]TCTAGTCATCCCTGGCTTCATGAGTGTATGATTCGTCTCTTTAATACTGGTATGTTTTTG-3'
Protein context (NP_476516.1, residues 692-712): LQSVKRAFAI[Asp702Glu]SSHPWLHECM